The following is an entry in ClinVar:

NM_001162383.2(ARHGEF2):c.1185G>A (p.Pro395=)

Genes: ARHGEF2 (Rho/Rac guanine nucleotide exchange factor 2; minus strand), LOC122128443 (CDK7 strongly-dependent group 2 enhancer GRCh37_chr1:155931313-155932512; plus strand). Cytogenetic location: 1q22.
Variant type: single nucleotide variant.
Coding change: c.1185G>A on transcript NM_001162383.2 (MANE Select); coding-DNA position 1185, G replaced by A.
Protein change: p.Pro395=; no amino-acid change (proline 395 retained).
Molecular consequence: synonymous variant.
Genome position (GRCh38, 1-based): chr1:155,962,139, C>T on the plus strand (G>A on the coding strand, the complement: ARHGEF2 is on the minus strand). VCF-style: chr1-155962139-C-T. GRCh37 (hg19) VCF-style: chr1-155931930-C-T.
Other names: c.1182G>A, p.Pro394= (NM_001162384.2); c.1104G>A, p.Pro368= (NM_001350110.2, NM_001350111.2); c.1131G>A, p.Pro377= (NM_001350112.2); c.1101G>A, p.Pro367= (NM_004723.4).
Identifiers: ClinVar variation 3040325 (VCV003040325.2), dbSNP rs373544686, ClinGen allele CA1153331.

ClinVar aggregate classification (germline): Likely benign (0 of 4 stars; one submission).

Conditions:
ARHGEF2-related disorder. Also called: ARHGEF2-related condition.

Allele frequency attached by ClinVar (database versions not stated): ESP Exome Variant Server 0.00023.
gnomAD v4.1: 640 of 1,614,086 alleles (0.04%); highest among the groups gnomAD compares: Non-Finnish European, 0.049%; no homozygotes.

Submission:

PreventionGenetics, part of Exact Sciences
Classification: Likely benign for ARHGEF2-related condition. Last evaluated: 2019-09-19. Review status: no assertion criteria provided. Collection method: clinical testing. Allele origin: germline.
Comment: This variant is classified as likely benign based on ACMG/AMP sequence variant interpretation guidelines (Richards et al. 2015 PMID: 25741868, with internal and published modifications).